The following is an entry in ClinVar:

NM_015589.6(SAMD4A):c.1176+4220T>C

Gene: SAMD4A (sterile alpha motif domain containing 4A; plus strand). Cytogenetic location: 14q22.2.
Variant type: single nucleotide variant.
Coding change: c.1176+4220T>C on transcript NM_015589.6 (MANE Select); 4220 bases into the intron after coding-DNA position 1176, T replaced by C.
Molecular consequence: intron variant.
Genome position (GRCh38, 1-based): chr14:54,755,757, T>C. VCF-style: chr14-54755757-T-C. GRCh37 (hg19) VCF-style: chr14-55222475-T-C.
Other names: c.912+4220T>C (NM_001161576.2); c.-52+860T>C (NM_001161577.2).
Identifiers: ClinVar variation 430718 (VCV000430718.3), dbSNP rs1957358, ClinGen allele CA14030701.

ClinVar aggregate classification (germline): association (1 of 4 stars; one submission).

Conditions:
Lip and oral cavity carcinoma. Identifiers: MedGen C0220641, MONDO:0023644.

Allele frequency attached by ClinVar (database versions not stated): gnomAD 0.47193 and 0.47434; 1000 Genomes Project 30x 0.40006; 1000 Genomes Project 0.40296; TOPMed 0.45893.
gnomAD v4.1: 71,931 of 151,956 alleles (47%); highest among the groups gnomAD compares: Non-Finnish European, 58%; 18,060 homozygotes.

Submission:

Department of Biological Science, Sunandan Divatia School of Science, NMIMS University
Classification: association for Lip and oral cavity carcinoma. Review status: criteria provided, single submitter. Criteria: Submitter's publication. Collection method: case-control. Allele origin: germline, not applicable. Inheritance: Oligogenic inheritance. Affected: yes. Observed: 237 heterozygotes, 160 homozygotes. Clinical features observed: Neoplasm of the oral cavity.
Comment: A significant association of rs1957358 (SAMD4A) TT (odds ratio [OR] 1.44; 95% confidence interval [CI] 1.10-1.90) indicated increased risk to oral cancer. While, rs1957358 (SAMD4A) TC (odds ratio [OR] 0.67; 95% confidence interval [CI] 0.53-0.87) indicated decreased risk to oral cancer.